The following is an entry in ClinVar:

ClinVar aggregate classification (germline): Likely pathogenic (1 of 4 stars; one submission).

Submission:

Labcorp Genetics (formerly Invitae), Labcorp
Classification: Likely pathogenic. Last evaluated: 2021-12-18. Review status: criteria provided, single submitter. Criteria: Invitae Variant Classification Sherloc (09022015). Collection method: clinical testing. Allele origin: germline.
Comment: In summary, the currently available evidence indicates that the variant is pathogenic, but additional data are needed to prove that conclusively. Therefore, this variant has been classified as Likely Pathogenic. Algorithms developed to predict the effect of sequence changes on RNA splicing suggest that this variant may disrupt the consensus splice site. This variant has not been reported in the literature in individuals affected with NFKB1-related conditions. This variant is not present in population databases (gnomAD no frequency). This sequence change affects a donor splice site in intron 5 of the NFKB1 gene. It is expected to disrupt RNA splicing. Variants that disrupt the donor or acceptor splice site typically lead to a loss of protein function (PMID: 16199547), and loss-of-function variants in NFKB1 are known to be pathogenic (PMID: 26279205, 29477724).

Literature cited by the submitters: PubMed 16199547; PubMed 26279205; PubMed 29477724.

NM_003998.4(NFKB1):c.258+1G>C

Gene: NFKB1 (nuclear factor kappa B subunit 1; plus strand). Cytogenetic location: 4q24.
Variant type: single nucleotide variant.
Coding change: c.258+1G>C on transcript NM_003998.4 (MANE Select); the canonical splice donor site of the intron after coding-DNA position 258, G replaced by C.
Molecular consequence: splice donor variant.
Genome position (GRCh38, 1-based): chr4:102,537,957, G>C. VCF-style: chr4-102537957-G-C. GRCh37 (hg19) VCF-style: chr4-103459114-G-C.
Other names: c.255+1G>C (NM_001382627.1, NM_001165412.2, NM_001319226.2); c.216+1G>C (NM_001382628.1); c.258+1G>C (NM_001382625.1, NM_001382626.1).
Identifiers: ClinVar variation 2047131 (VCV002047131.4), dbSNP rs2476200825, ClinGen allele CA357957826.
Genomic context (GRCh38, chr4:102,537,957, plus strand): 5'-CATGGTGGACTACCTGGTGCCTCTAGTGAAAAGAACAAGAAGTCTTACCCTCAGGTCAAA[G>C]TAAGTTTGTGGTAGCTCTCCTTCTATTTGAATTCTGGAAATTTTGATTTCCTACGATTTC-3'